The following is an entry in ClinVar:

NM_001042492.3(NF1):c.3198-5_3198-4insC

Gene: NF1 (neurofibromin 1; plus strand). Cytogenetic location: 17q11.2.
Variant type: Insertion.
Coding change: c.3198-5_3198-4insC on transcript NM_001042492.3 (MANE Select); 5 bases into the intron before coding-DNA position 3198 through 4 bases into the intron before coding-DNA position 3198, C inserted.
Molecular consequence: intron variant.
Genome position: GRCh38 VCF-style: chr17-31232068-T-TC. GRCh37 (hg19) VCF-style: chr17-29559086-T-TC.
Other names: c.3198-5_3198-4insC (NM_000267.4).
Identifiers: ClinVar variation 457633 (VCV000457633.10), dbSNP rs1555614804, ClinGen allele CA658656571.

ClinVar aggregate classification (germline): Likely benign. Review status: criteria provided, multiple submitters, no conflicts (2 of 4 stars). 3 submissions from 3 submitters: Likely benign (3). Last evaluated 2023-09-18.

Conditions:
Neurofibromatosis, type 1 (NF1). Also called: VON RECKLINGHAUSEN DISEASE; NEUROFIBROMATOSIS, TYPE I, SOMATIC; Peripheral type neurofibromatosis; Neurofibromatosis, type I. Identifiers: Orphanet 636, MedGen C0027831, MONDO:0018975, OMIM 162200. Disease mechanism: loss of function.

Submissions (3):

Labcorp Genetics (formerly Invitae), Labcorp
Classification: Likely benign for Neurofibromatosis, type 1. Last evaluated: 2023-09-18. Review status: criteria provided, single submitter. Criteria: Invitae Variant Classification Sherloc (09022015). Collection method: clinical testing. Allele origin: germline.

Genome-Nilou Lab
Classification: Likely benign for Neurofibromatosis, type 1. Last evaluated: 2022-03-15. Review status: criteria provided, single submitter. Criteria: ACMG Guidelines, 2015. Collection method: clinical testing. Allele origin: germline. Affected: no.

GeneDx
Classification: Likely benign. Last evaluated: 2018-01-08. Review status: criteria provided, single submitter. Criteria: GeneDx Variant Classification (06012015). Collection method: clinical testing. Allele origin: germline. Affected: yes.
Comment: This variant is considered likely benign or benign based on one or more of the following criteria: it is a conservative change, it occurs at a poorly conserved position in the protein, it is predicted to be benign by multiple in silico algorithms, and/or has population frequency not consistent with disease.